The following continues an entry in ClinVar:

NM_000152.5(GAA):c.1912G>T (p.Gly638Trp)

Gene: GAA. ClinVar aggregate classification (germline): Pathogenic. Pathogenic (1).

Submissions 10 to 13 of 13:

Women's Health and Genetics/Laboratory Corporation of America, LabCorp
Classification: Pathogenic for Glycogen storage disease, type II. Last evaluated: 2021-09-10. Review status: criteria provided, single submitter. Criteria: LabCorp Variant Classification Summary - May 2015. Collection method: clinical testing. Allele origin: germline. Not counted in ClinVar's aggregate classification.
Comment: Variant summary: GAA c.1912G>T (p.Gly638Trp) results in a non-conservative amino acid change in the encoded protein sequence. Five of five in-silico tools predict a damaging effect of the variant on protein function. The variant allele was found at a frequency of 1.2e-05 in 242160 control chromosomes. c.1912G>T has been reported in the literature in multiple individuals affected with Glycogen Storage Disease, Type 2 (Pompe Disease, e.g. Gort_2007, Kishnani_2019). These data indicate that the variant is very likely to be associated with disease. Three clinical diagnostic laboratories have submitted clinical-significance assessments for this variant to ClinVar after 2014 without evidence for independent evaluation. All laboratories classified the variant as pathogenic/likely pathogenic. Based on the evidence outlined above, the variant was classified as pathogenic.

Genetic Services Laboratory, University of Chicago
Classification: Pathogenic. Last evaluated: 2021-06-10. Review status: criteria provided, single submitter. Criteria: ACMG Guidelines, 2015. Collection method: clinical testing. Allele origin: germline. Affected: yes. Not counted in ClinVar's aggregate classification.
Comment: The c.1912G>T variant in exon 14 results in an amino acid change, p.Gly638Trp. This sequence change has been reported in the homozygous and compound heterozygous state in multiple individuals with GAA-related disorders (PMID: 18429042, 31342611, 10737124, 31086307, 29181627). Other nucleotide changes resulting in a different amino acid change at the same residue have been reported in individuals with glycogen storage disease type 2 indicating that this residue is important to the GAA protein (PMID: 32888769, 31086307). This sequence change has been described in the gnomAD database in three individuals with an overall population frequency of 0.0012% (dbSNP rsrs757617999). The p.Gly638Trp change affects a highly conserved amino acid residue located in a domain of the GAA protein that is known to be functional. The p.Gly638Trp substitution appears to be deleterious using several in-silico pathogenicity prediction tools (SIFT, PolyPhen2, Align GVGD, REVEL). Additionally, this variant has been reported to impact the function of the GAA protein (PMID: 19862843). Splicing prediction algorithms indicate this sequence change may impact splicing although functional studies have not been performed to confirm this. Based on these evidences, the c.1912G>T variant is classified as pathogenic.

Broad Center for Mendelian Genomics, Broad Institute of MIT and Harvard
Classification: Likely pathogenic for Glycogen storage disease, type II. Last evaluated: 2020-01-22. Review status: criteria provided, single submitter. Criteria: ACMG Guidelines, 2015. Collection method: curation. Allele origin: germline. Inheritance: Autosomal recessive inheritance. Not counted in ClinVar's aggregate classification.
Comment: The p.Gly638Trp variant in GAA has been reported in 7 individuals (including 2 Spanish, 2 German, 1 Italian, and 1 Brazilian individuals) with Glycogen Storage Disease II (PMID: 17616415, 18429042, 21484825, 17573812, 19588081, 10737124), and has also been reported pathogenic by EGL Genetic Diagnostics in ClinVar (Variation ID: 280954). This variant has been identified in 0.007% (1/14810) of African chromosomes, 0.003% (1/29634) of South Asian chromosomes, and 0.001% (1/109192) of European (non-Finnish) chromosomes by the Genome Aggregation Database (gnomAD; dbSNP rs757617999). Although this variant has been seen in the general population, its frequency is low enough to be consistent with a recessive carrier frequency. Computational prediction tools and conservation analyses suggest that this variant may impact the protein, though this information is not predictive enough to determine pathogenicity. The phenotype of an individual heterozygous for this variant is highly specific for Glycogen Storage Disease II with reduced GAA activity detected in relevant tissues (PMID: 17616415, 17573812, 28763149). The presence of this variant in combination with pathogenic variants and in individuals with Glycogen Storage Disease II increases the likelihood that the p.Gly638Trp variant is pathogenic (PMID: 17616415, 17573812, 28763149). In summary, although additional studies are required to fully establish its clinical significance, this variant is likely pathogenic. ACMG/AMP Criteria applied: PM3, PM2, PP3, PP4 (Richards 2015).

Eurofins Ntd Llc (ga)
Classification: Pathogenic. Last evaluated: 2016-08-08. Review status: criteria provided, single submitter. Criteria: EGL Classification Definitions 2015. Collection method: clinical testing. Allele origin: germline. Observed: 5 variant alleles, 5 heterozygotes. Not counted in ClinVar's aggregate classification.

Literature cited by the submitters: PubMed 36299500 (cited by Genomenon, Inc); PubMed 34501319 (cited by Genomenon, Inc); PubMed 32849613 (cited by Genomenon, Inc); PubMed 29181627 (cited by 3 submitters); PubMed 24923245 (cited by Genomenon, Inc); PubMed 28763149 (cited by Genomenon, Inc and Labcorp Genetics (formerly Invitae), Labcorp); PubMed 28380188 (cited by Genomenon, Inc); PubMed 27189384 (cited by Genomenon, Inc); PubMed 17616415 (cited by 3 submitters); PubMed 17573812 (cited by 3 submitters); PubMed 19862843 (cited by 3 submitters); PubMed 10737124 (cited by 3 submitters); PubMed 18429042 (cited by 3 submitters); PubMed 19588081 (cited by Labcorp Genetics (formerly Invitae), Labcorp and Broad Center for Mendelian Genomics, Broad Institute of MIT and Harvard); PubMed 29122469 (cited by Labcorp Genetics (formerly Invitae), Labcorp); PubMed 15121988 (cited by Labcorp Genetics (formerly Invitae), Labcorp); PubMed 31086307 (cited by 3 submitters); PubMed 24627108 (cited by AiLife Diagnostics); PubMed 21484825 (cited by Broad Center for Mendelian Genomics, Broad Institute of MIT and Harvard).